The following is an entry in ClinVar:

ClinVar aggregate classification (germline): Pathogenic (1 of 4 stars; one submission).

Submission:

GeneDx
Classification: Pathogenic. Last evaluated: 2026-10-08. Review status: criteria provided, single submitter. Criteria: GeneDx Variant Classification Process June 2021. Collection method: clinical testing. Allele origin: germline.
Comment: Frameshift variant predicted to result in protein truncation or nonsense mediated decay in a gene for which loss of function is a known mechanism of disease; Not observed at significant frequency in large population cohorts (gnomAD); Has not been previously published as pathogenic or benign to our knowledge

NM_152564.5(VPS13B):c.11124_11125delinsT (p.Asn3709fs)

Gene: VPS13B (vacuolar protein sorting 13 homolog B; plus strand). Cytogenetic location: 8q22.2.
Variant type: Indel.
Coding change: c.11124_11125delinsT on transcript NM_152564.5 (MANE Select); coding-DNA positions 11124 to 11125, CA replaced by T.
Protein change: p.Asn3709fs; shifts the reading frame from asparagine 3709.
Molecular consequence: frameshift variant.
Genome position (GRCh38, 1-based): chr8:99,861,855-99,861,856, CA replaced by T. VCF-style: chr8-99861855-CA-T. GRCh37 (hg19) VCF-style: chr8-100874083-CA-T.
Other names: c.11199_11200delCAinsT (NM_017890.3); c.11199_11200delinsT, p.Asn3734fs (NM_017890.5); c.11199_11200delinsT (NM_017890.3); short protein forms N3734fs, N3709fs.
Identifiers: ClinVar variation 419248 (VCV000419248.4), dbSNP rs1064793747, ClinGen allele CA16618724.
Genomic context (GRCh38, chr8:99,861,855, plus strand): 5'-CAACCTCGCCACAAGCCTGGCCCGGAACATGGACCGGCTCTCACTGGATGAGGAGCACTA[CA>T]ACCGGCAGGAGGAGTGGCGGCGGCAGCTCCCCGAGAGCCTGGGCGAGGGGCTTCGACAGG-3'